The following is an entry in ClinVar:

ClinVar aggregate classification (germline): Benign. Review status: criteria provided, multiple submitters, no conflicts (2 of 4 stars). 3 submissions from 3 submitters: Benign (3). Last evaluated 2026-02-03.

Conditions:
Multicentric osteolysis nodulosis arthropathy spectrum. Identifiers: Orphanet 3460, Orphanet 371428, MedGen C1850155, MONDO:0018298.

Allele frequency attached by ClinVar (database versions not stated): gnomAD exomes 0.00790 and 0.01090; ExAC 0.01117; 1000 Genomes Project 0.02037; gnomAD 0.02168 and 0.02278; 1000 Genomes Project 30x 0.02233; TOPMed 0.02246; ESP Exome Variant Server 0.02478.
gnomAD v4.1: 15,111 of 1,614,142 alleles (0.94%); highest among the groups gnomAD compares: African/African-American, 5.6%; 191 homozygotes.

Submissions (3):

Labcorp Genetics (formerly Invitae), Labcorp
Classification: Benign. Last evaluated: 2026-02-03. Review status: criteria provided, single submitter. Criteria: Invitae Variant Classification Sherloc (09022015). Collection method: clinical testing. Allele origin: germline.

Illumina Laboratory Services, Illumina
Classification: Benign for Multicentric osteolysis, nodulosis, and arthropathy. Last evaluated: 2018-01-12. Review status: criteria provided, single submitter. Criteria: ICSL Variant Classification Criteria 13 December 2019. Collection method: clinical testing. Allele origin: germline.
Comment: This variant was observed in the ICSL laboratory as part of a predisposition screen in an ostensibly healthy population. It had not been previously curated by ICSL or reported in the Human Gene Mutation Database (HGMD: prior to June 1st, 2018), and was therefore a candidate for classification through an automated scoring system. Utilizing variant allele frequency, disease prevalence and penetrance estimates, and inheritance mode, an automated score was calculated to assess if this variant is too frequent to cause the disease. Based on the score and internal cut-off values, a variant classified as benign is not then subjected to further curation. The score for this variant resulted in a classification of benign for this disease.

Breakthrough Genomics
Classification: Benign. Review status: criteria provided, single submitter. Criteria: ACMG Guidelines, 2015. Collection method: not provided. Allele origin: germline. Inheritance: Autosomal recessive inheritance. Affected: yes.

NM_004530.6(MMP2):c.1098C>T (p.Ala366=)

Gene: MMP2 (matrix metallopeptidase 2; plus strand). Cytogenetic location: 16q12.2.
Variant type: single nucleotide variant.
Coding change: c.1098C>T on transcript NM_004530.6 (MANE Select); coding-DNA position 1098, C replaced by T.
Protein change: p.Ala366=; no amino-acid change (alanine 366 retained).
Molecular consequence: synonymous variant.
Genome position (GRCh38, 1-based): chr16:55,489,742, C>T. VCF-style: chr16-55489742-C-T. GRCh37 (hg19) VCF-style: chr16-55523654-C-T.
Other names: c.948C>T, p.Ala316= (NM_001127891.3); c.870C>T, p.Ala290= (NM_001302508.1, NM_001302509.2, NM_001302510.2).
Identifiers: ClinVar variation 319754 (VCV000319754.15), dbSNP rs16955236, ClinGen allele CA8060308.